The following is an entry in ClinVar:

ClinVar aggregate classification (germline): Pathogenic (1 of 4 stars; one submission).

Conditions:
Thrombocytopenia 1. Also called: THROMBOCYTOPENIA, X-LINKED, 1; X-linked thrombocytopenia with normal platelets; X-Linked Thrombocytopenia (XLT). Identifiers: Orphanet 268322, Orphanet 852, MedGen C1839163, MONDO:0010743, OMIM 313900.
Wiskott-Aldrich syndrome (WAS). Also called: Wiskott-aldrich syndrome, somatic; ALDRICH SYNDROME; IMMUNODEFICIENCY 2; WISKOTT-ALDRICH SYNDROME 1. Identifiers: Orphanet 906, MedGen C0043194, MONDO:0010518, OMIM 301000.
X-linked severe congenital neutropenia (SCNX). Identifiers: Orphanet 86788, MedGen C1845987, MONDO:0010294, OMIM 300299.

Submission:

Labcorp Genetics (formerly Invitae), Labcorp
Classification: Pathogenic for Wiskott-Aldrich syndrome; X-linked severe congenital neutropenia; Thrombocytopenia 1. Last evaluated: 2022-04-16. Review status: criteria provided, single submitter. Criteria: Invitae Variant Classification Sherloc (09022015). Collection method: clinical testing. Allele origin: germline.
Comment: This premature translational stop signal has been observed in individual(s) with Wiskott-Aldrich syndrome (PMID: 9126958). For these reasons, this variant has been classified as Pathogenic. This variant is not present in population databases (gnomAD no frequency). This sequence change creates a premature translational stop signal (p.Tyr88*) in the WAS gene. It is expected to result in an absent or disrupted protein product. Loss-of-function variants in WAS are known to be pathogenic (PMID: 15284122).

Literature cited by the submitters: PubMed 9126958; PubMed 15284122.

NM_000377.3(WAS):c.264C>A (p.Tyr88Ter)

Gene: WAS (WASP actin nucleation promoting factor; plus strand). Cytogenetic location: Xp11.23.
Variant type: single nucleotide variant.
Coding change: c.264C>A on transcript NM_000377.3 (MANE Select); coding-DNA position 264, C replaced by A.
Protein change: p.Tyr88Ter; replaces tyrosine 88 with a stop codon.
Molecular consequence: nonsense.
Genome position (GRCh38, 1-based): chrX:48,684,414, C>A. VCF-style: chrX-48684414-C-A. GRCh37 (hg19) VCF-style: chrX-48542803-C-A.
Other names: short protein forms Y88*.
Identifiers: ClinVar variation 2138567 (VCV002138567.4), dbSNP rs150520117, ClinGen allele CA412866647.
Genomic context (GRCh38, chrX:48,684,414, plus strand): 5'-TTGTGGGGCTGTGTGCTTCGTGAAGGATAACCCCCAGAAGTCCTACTTCATCCGCCTTTA[C>A]GGCCTTCAGGTGACCCCCCCACCCCCGACTGGACTTGCAAGCCAGTTCTCAACCCGCAAA-3'